The following is an entry in ClinVar:

ClinVar aggregate classification (germline): Uncertain significance (1 of 4 stars; one submission).

Conditions:
Myopathy, proximal, and ophthalmoplegia (CMYO6). Also called: INCLUSION BODY MYOPATHY 3, AUTOSOMAL DOMINANT; CONGENITAL MYOPATHY 6 WITH OPHTHALMOPLEGIA; MYOPATHY WITH CONGENITAL JOINT CONTRACTURES, OPHTHALMOPLEGIA, AND RIMMED VACUOLES. Identifiers: Orphanet 363677, Orphanet 79091, MedGen C1854106, MONDO:0011577, OMIM 605637.

gnomAD v4.1: 1 of 1,614,074 alleles (0.000062%); highest among the groups gnomAD compares: Admixed American, 0.0017%; no homozygotes.

Submission:

Labcorp Genetics (formerly Invitae), Labcorp
Classification: Uncertain significance for Myopathy, proximal, and ophthalmoplegia. Last evaluated: 2024-11-23. Review status: criteria provided, single submitter. Criteria: Invitae Variant Classification Sherloc (09022015). Collection method: clinical testing. Allele origin: germline.
Comment: This sequence change replaces lysine, which is basic and polar, with asparagine, which is neutral and polar, at codon 1904 of the MYH2 protein (p.Lys1904Asn). This variant is present in population databases (no rsID available, gnomAD 0.003%). This variant has not been reported in the literature in individuals affected with MYH2-related conditions. Invitae Evidence Modeling of protein sequence and biophysical properties (such as structural, functional, and spatial information, amino acid conservation, physicochemical variation, residue mobility, and thermodynamic stability) has been performed for this missense variant. However, the output from this modeling did not meet the statistical confidence thresholds required to predict the impact of this variant on MYH2 protein function. In summary, the available evidence is currently insufficient to determine the role of this variant in disease. Therefore, it has been classified as a Variant of Uncertain Significance.

NM_017534.6(MYH2):c.5712G>C (p.Lys1904Asn)

Genes: MYHAS (myosin heavy chain gene cluster antisense RNA; plus strand), MYH2 (myosin heavy chain 2; minus strand). Cytogenetic location: 17p13.1.
Variant type: single nucleotide variant.
Coding change: c.5712G>C on transcript NM_017534.6 (MANE Select); coding-DNA position 5712, G replaced by C.
Protein change: p.Lys1904Asn; replaces lysine 1904 with asparagine.
Molecular consequence: missense variant.
Genome position (GRCh38, 1-based): chr17:10,521,394, C>G on the plus strand (G>C on the coding strand, the complement: MYH2 is on the minus strand). VCF-style: chr17-10521394-C-G. GRCh37 (hg19) VCF-style: chr17-10424711-C-G.
Other names: c.5712G>C, p.Lys1904Asn (NM_001100112.2); short protein forms K1904N.
Identifiers: ClinVar variation 3620234 (VCV003620234.2).